The following is an entry in ClinVar:

NM_004360.5(CDH1):c.1921C>T (p.Gln641Ter)

Gene: CDH1 (cadherin 1; plus strand). Cytogenetic location: 16q22.1.
Variant type: single nucleotide variant.
Coding change: c.1921C>T on transcript NM_004360.5 (MANE Select); coding-DNA position 1921, C replaced by T.
Protein change: p.Gln641Ter; replaces glutamine 641 with a stop codon.
Molecular consequence: nonsense. On other transcripts: 5 prime UTR variant (1).
Genome position (GRCh38, 1-based): chr16:68,822,210, C>T. VCF-style: chr16-68822210-C-T. GRCh37 (hg19) VCF-style: chr16-68856113-C-T.
Other names: c.1921C>T (LRG_301t1); c.1738C>T, p.Gln580Ter (NM_001317184.2); c.373C>T, p.Gln125Ter (NM_001317185.2); c.-45C>T (NM_001317186.2); short protein forms Q641*, Q125*, Q580*.
Identifiers: ClinVar variation 142826 (VCV000142826.18), dbSNP rs587782750, ClinGen allele CA169506.

ClinVar aggregate classification (germline): Pathogenic. Review status: reviewed by expert panel (3 of 4 stars). 6 submissions from 6 submitters: Pathogenic (1). 5 of the submissions do not count toward it. Last evaluated 2023-08-25.

Conditions:
CDH1-related diffuse gastric and lobular breast cancer syndrome. Also called: CDH1-related diffuse gastric and lobular breast cancer. Identifiers: MedGen CN311521, MONDO:0100488.
Hereditary cancer-predisposing syndrome. Also called: Tumor predisposition; Neoplastic Syndromes, Hereditary; Hereditary neoplastic syndrome; Hereditary Cancer Syndrome. Identifiers: Orphanet 140162, MedGen C0027672, MeSH D009386, MONDO:0015356.
Hereditary diffuse gastric adenocarcinoma (HDGC). Also called: DIFFUSE GASTRIC AND LOBULAR BREAST CANCER SYNDROME. Identifiers: Orphanet 26106, MedGen C1708349, MONDO:0007648, OMIM 137215.

Allele frequency attached by ClinVar (database versions not stated): gnomAD exomes below 0.00001; ExAC 0.00001.
gnomAD v4.1: 1 of 1,613,902 alleles (0.000062%); highest among the groups gnomAD compares: Non-Finnish European, 0.000085%; no homozygotes.

Submissions (6):

Clingen Gastric Cancer Variant Curation Expert Panel
Classification: Pathogenic for CDH1-related diffuse gastric and lobular breast cancer syndrome. Last evaluated: 2023-08-25. Review status: reviewed by expert panel. Criteria: ClinGen CDH1 ACMG Specifications V3.1. Collection method: curation. Allele origin: germline. Inheritance: Autosomal dominant inheritance.
Comment: The c.1921C>T p.(Gln641Ter) variant is predicted to result in a premature stop codon that leads to a truncated or absent protein (PVS1, PM5_supporting). The variant is present in <1/100,000 alleles in the gnomAD cohort (PM2 _supporting). This variant has been reported in at least one family meeting HDGC clinical criteria (PS4_supporting; SCV000187340.5). In summary, this variant meets criteria to be classified as pathogenic based on the ACMG/AMP criteria applied as specified by the CDH1 Variant Curation Expert Panel (Variant Interpretation Guidelines Version 3.1): PVS1, PM2_supporting, PS4_supporting, PM5_supporting.

Labcorp Genetics (formerly Invitae), Labcorp
Classification: Pathogenic for Hereditary diffuse gastric adenocarcinoma. Last evaluated: 2024-10-16. Review status: criteria provided, single submitter. Criteria: Invitae Variant Classification Sherloc (09022015). Collection method: clinical testing. Allele origin: germline. Not counted in ClinVar's aggregate classification.
Comment: This sequence change creates a premature translational stop signal (p.Gln641*) in the CDH1 gene. It is expected to result in an absent or disrupted protein product. Loss-of-function variants in CDH1 are known to be pathogenic (PMID: 15235021, 20373070). This variant is present in population databases (rs587782750, gnomAD 0.0009%). This variant has not been reported in the literature in individuals affected with CDH1-related conditions. ClinVar contains an entry for this variant (Variation ID: 142826). RNA analysis performed to evaluate the impact of this premature translational stop signal on mRNA splicing indicates it does not significantly alter splicing (internal data). For these reasons, this variant has been classified as Pathogenic.

Ambry Genetics
Classification: Pathogenic for Hereditary cancer-predisposing syndrome. Last evaluated: 2023-06-22. Review status: criteria provided, single submitter. Criteria: Ambry Variant Classification Scheme 2023. Collection method: clinical testing. Allele origin: germline. Not counted in ClinVar's aggregate classification.
Comment: The p.Q641* pathogenic mutation (also known as c.1921C>T), located in coding exon 12 of the CDH1 gene, results from a C to T substitution at nucleotide position 1921. This changes the amino acid from a glutamine to a stop codon within coding exon 12. This alteration is expected to result in loss of function by premature protein truncation or nonsense-mediated mRNA decay. As such, this alteration is interpreted as a disease-causing mutation.

Myriad Genetics, Inc.
Classification: Pathogenic for Hereditary diffuse gastric adenocarcinoma. Last evaluated: 2023-03-06. Review status: criteria provided, single submitter. Criteria: Myriad Autosomal Dominant, Autosomal Recessive and X-Linked Classification Criteria (2023). Collection method: clinical testing. Allele origin: unknown. Not counted in ClinVar's aggregate classification.
Comment: This variant is considered pathogenic. This variant creates a termination codon and is predicted to result in premature protein truncation.

Women's Health and Genetics/Laboratory Corporation of America, LabCorp
Classification: Pathogenic for Hereditary diffuse gastric adenocarcinoma. Last evaluated: 2022-05-03. Review status: criteria provided, single submitter. Criteria: LabCorp Variant Classification Summary - May 2015. Collection method: clinical testing. Allele origin: germline. Not counted in ClinVar's aggregate classification.
Comment: Variant summary: CDH1 c.1921C>T (p.Gln641X) results in a premature termination codon, predicted to cause a truncation of the encoded protein or absence of the protein due to nonsense mediated decay, which are commonly known mechanisms for disease. Truncations downstream of this position have been classified as pathogenic by our laboratory. The variant allele was found at a frequency of 4e-06 in 251462 control chromosomes. c.1921C>T has been reported in the literature in individuals affected with CDH1-related cancers such as Gastric and Lobular Breast Cancer (example, LaDuca_2017, Lowstuter_2017, Xicola_2019, Gao_2021). Three clinical diagnostic laboratories and an expert panel (ClinGen CDH1 Variant Curation Expert Panel) have submitted clinical-significance assessments for this variant to ClinVar after 2014 without evidence for independent evaluation. All submitters classified the variant as pathogenic/likely pathogenic. Based on the evidence outlined above, the variant was classified as pathogenic.

Counsyl
Classification: Likely pathogenic for Hereditary diffuse gastric adenocarcinoma. Last evaluated: 2017-07-07. Review status: no assertion criteria provided. Collection method: clinical testing. Allele origin: unknown. Not counted in ClinVar's aggregate classification.

Literature cited by the submitters: PubMed 15235021 (cited by Labcorp Genetics (formerly Invitae), Labcorp); PubMed 20373070 (cited by Labcorp Genetics (formerly Invitae), Labcorp); PubMed 28152038 (cited by Women's Health and Genetics/Laboratory Corporation of America, LabCorp); PubMed 31296550 (cited by Women's Health and Genetics/Laboratory Corporation of America, LabCorp); PubMed 34690920 (cited by Women's Health and Genetics/Laboratory Corporation of America, LabCorp); PubMed 35172483 (cited by Women's Health and Genetics/Laboratory Corporation of America, LabCorp).